The following is an entry in ClinVar:

ClinVar aggregate classification (germline): Uncertain significance. Review status: reviewed by expert panel (3 of 4 stars). 3 submissions from 3 submitters: Uncertain significance (1). 2 of the submissions do not count toward it. Last evaluated 2023-02-26.

Conditions:
Hereditary cancer-predisposing syndrome. Also called: Tumor predisposition; Hereditary neoplastic syndrome; Neoplastic Syndromes, Hereditary; Hereditary Cancer Syndrome. Identifiers: Orphanet 140162, MedGen C0027672, MeSH D009386, MONDO:0015356.
Familial adenomatous polyposis 1 (FAP1). Also called: POLYPOSIS, ADENOMATOUS INTESTINAL; FAMILIAL ADENOMATOUS POLYPOSIS 1, ATTENUATED. Identifiers: MedGen C2713442, MONDO:0021056, OMIM 175100. Disease mechanism: loss of function.

Submissions (3):

ClinGen InSiGHT Hereditary Colorectal Cancer/Polyposis Variant Curation Expert Panel
Classification: Uncertain significance for Familial adenomatous polyposis 1. Last evaluated: 2023-02-26. Review status: reviewed by expert panel. Criteria: ClinGen InSiGHT HCCP VCEP ACMG Specifications APC V1. Collection method: curation. Allele origin: germline. Inheritance: Autosomal dominant inheritance.
Comment: The c.8530T>G (p.Ter2844Glu) variant in APC is a stop-loss variant where the termination codon at position 2844 is replaced by amino acid glutamic acid. This variant is absent from gnomAD v2.1.1 (PM2_Supporting). In summary, due to insufficient evidence, this is a variant of unknown significance (VUS) for FAP based on the ACMG/AMP criteria applied, as specified by the ClinGen InSiGHT Hereditary Colorectal Cancer/Polyposis Variant Curation Expert Panel: PM2_Supporting (VCEP specifications version 1; date of approval: 12/12/2022).

Ambry Genetics
Classification: Likely pathogenic for Hereditary cancer-predisposing syndrome. Last evaluated: 2025-01-15. Review status: criteria provided, single submitter. Criteria: Ambry Variant Classification Scheme 2023. Collection method: clinical testing. Allele origin: germline. Not counted in ClinVar's aggregate classification.
Comment: The c.8530T>G variant (also known as p.*2844Eext*27), located in coding exon 15 of the APC gene, results from a T to G substitution at nucleotide position 8530. This alteration disrupts the stop codon of the APC gene and is predicted to preserve the native sequence while resulting in the elongation of the protein by 27 amino acids. This variant was reported in individual(s) with features consistent with APC-related familial adenomatous polyposis (Ambry internal data). A similar variant (c.8530T>C, p.*2844Qext*27) has been observed in individual(s) with features consistent with APC-related familial adenomatous polyposis (Ambry internal data). Based on the majority of available evidence to date, this variant is likely to be pathogenic.

Labcorp Genetics (formerly Invitae), Labcorp
Classification: Uncertain significance for Familial adenomatous polyposis 1. Last evaluated: 2024-07-16. Review status: criteria provided, single submitter. Criteria: Invitae Variant Classification Sherloc (09022015). Collection method: clinical testing. Allele origin: germline. Not counted in ClinVar's aggregate classification.
Comment: This sequence change disrupts the translational stop signal of the APC mRNA. It is expected to extend the length of the APC protein by 27 additional amino acid residues. This variant is not present in population databases (gnomAD no frequency). This variant has not been reported in the literature in individuals affected with APC-related conditions. ClinVar contains an entry for this variant (Variation ID: 950642). In summary, the available evidence is currently insufficient to determine the role of this variant in disease. Therefore, it has been classified as a Variant of Uncertain Significance.

NM_000038.6(APC):c.8530T>G (p.Ter2844Glu)

Gene: APC (APC regulator of Wnt signaling pathway; plus strand). Cytogenetic location: 5q22.2.
Variant type: single nucleotide variant.
Coding change: c.8530T>G on transcript NM_000038.6 (MANE Select); coding-DNA position 8530, T replaced by G.
Protein change: p.Ter2844Glu.
Molecular consequence: stop lost.
Genome position (GRCh38, 1-based): chr5:112,844,124, T>G. VCF-style: chr5-112844124-T-G. GRCh37 (hg19) VCF-style: chr5-112179821-T-G.
Other names: *2753E; *2684E; *2803E; *2844E; *2854E; *2718E; *2743E; *2819E; and 20 more.
Identifiers: ClinVar variation 950642 (VCV000950642.11), dbSNP rs1766772190, ClinGen allele CA360714779.
Genomic context (GRCh38, chr5:112,844,124, plus strand): 5'-GAATCCAGTGGAACCCAAAGTCCTAAGCGCCATTCTGGGTCTTACCTTGTGACATCTGTT[T>G]AAAAGAGAGGAAGAATGAAACTAAGAAAATTCTATGTTAATTACAACTGCTATATAGACA-3'